The following is an entry in ClinVar:

NM_001692.4(ATP6V1B1):c.816G>A (p.Ala272=)

Gene: ATP6V1B1 (ATPase H+ transporting V1 subunit B1; plus strand). Cytogenetic location: 2p13.3.
Variant type: single nucleotide variant.
Coding change: c.816G>A on transcript NM_001692.4 (MANE Select); coding-DNA position 816, G replaced by A.
Protein change: p.Ala272=; no amino-acid change (alanine 272 retained).
Molecular consequence: synonymous variant.
Genome position (GRCh38, 1-based): chr2:70,962,807, G>A. VCF-style: chr2-70962807-G-A. GRCh37 (hg19) VCF-style: chr2-71189937-G-A.
Other names: c.816G>A (NM_001692.3).
Identifiers: ClinVar variation 1081603 (VCV001081603.11), dbSNP rs372478273, ClinGen allele CA1701178.

ClinVar aggregate classification (germline): Likely benign. Review status: criteria provided, single submitter (1 of 4 stars). 2 submissions from 2 submitters: Likely benign (1). 1 of the submissions does not count toward it. Last evaluated 2024-02-29.

Conditions:
ATP6V1B1-related disorder. Also called: ATP6V1B1-related condition.

Allele frequency attached by ClinVar (database versions not stated): gnomAD exomes 0.00001 and 0.00002; TOPMed 0.00002; gnomAD 0.00003; ExAC 0.00004; ESP Exome Variant Server 0.00008.
gnomAD v4.1: 22 of 1,613,996 alleles (0.0014%); highest among the groups gnomAD compares: Admixed American, 0.0083%; no homozygotes.

Submissions (2):

Labcorp Genetics (formerly Invitae), Labcorp
Classification: Likely benign. Last evaluated: 2024-02-29. Review status: criteria provided, single submitter. Criteria: Invitae Variant Classification Sherloc (09022015). Collection method: clinical testing. Allele origin: germline.

PreventionGenetics, part of Exact Sciences
Classification: Likely benign for ATP6V1B1-related condition. Last evaluated: 2021-03-17. Review status: no assertion criteria provided. Collection method: clinical testing. Allele origin: germline. Not counted in ClinVar's aggregate classification.
Comment: This variant is classified as likely benign based on ACMG/AMP sequence variant interpretation guidelines (Richards et al. 2015 PMID: 25741868, with internal and published modifications).